The following is an entry in ClinVar:

ClinVar aggregate classification (germline): Uncertain significance (1 of 4 stars; one submission).

Conditions:
Developmental and epileptic encephalopathy, 12 (DEE12). Identifiers: MedGen C3150988, MONDO:0013389, OMIM 613722.

gnomAD v4.1: 2 of 1,583,110 alleles (0.00013%); highest among the groups gnomAD compares: Admixed American, 0.0018%; no homozygotes.

Submission:

Labcorp Genetics (formerly Invitae), Labcorp
Classification: Uncertain significance for Developmental and epileptic encephalopathy, 12. Last evaluated: 2025-12-08. Review status: criteria provided, single submitter. Criteria: Invitae Variant Classification Sherloc (09022015). Collection method: clinical testing. Allele origin: germline.
Comment: This sequence change replaces alanine, which is neutral and non-polar, with threonine, which is neutral and polar, at codon 322 of the PNKP protein (p.Ala322Thr). This variant is not present in population databases (gnomAD no frequency). This variant has not been reported in the literature in individuals affected with PNKP-related conditions. ClinVar contains an entry for this variant (Variation ID: 2007961). Invitae Evidence Modeling of protein sequence and biophysical properties (such as structural, functional, and spatial information, amino acid conservation, physicochemical variation, residue mobility, and thermodynamic stability) indicates that this missense variant is not expected to disrupt PNKP protein function with a negative predictive value of 80%. In summary, the available evidence is currently insufficient to determine the role of this variant in disease. Therefore, it has been classified as a Variant of Uncertain Significance.

NM_007254.4(PNKP):c.964G>A (p.Ala322Thr)

Gene: PNKP (polynucleotide kinase 3'-phosphatase; minus strand). Cytogenetic location: 19q13.33.
Variant type: single nucleotide variant.
Coding change: c.964G>A on transcript NM_007254.4 (MANE Select); coding-DNA position 964, G replaced by A.
Protein change: p.Ala322Thr; replaces alanine 322 with threonine.
Molecular consequence: missense variant.
Genome position (GRCh38, 1-based): chr19:49,862,436, C>T on the plus strand (G>A on the coding strand, the complement: PNKP is on the minus strand). VCF-style: chr19-49862436-C-T. GRCh37 (hg19) VCF-style: chr19-50365693-C-T.
Other names: short protein forms A322T.
Identifiers: ClinVar variation 2007961 (VCV002007961.4), dbSNP rs2514636215, ClinGen allele CA406881341.